The following is an entry in ClinVar:

NM_018367.7(ACER3):c.144G>A (p.Met48Ile)

Gene: ACER3 (alkaline ceramidase 3; plus strand). Cytogenetic location: 11q13.5.
Variant type: single nucleotide variant.
Coding change: c.144G>A on transcript NM_018367.7 (MANE Select); coding-DNA position 144, G replaced by A.
Protein change: p.Met48Ile; replaces methionine 48 with isoleucine.
Molecular consequence: missense variant. On other transcripts: 5 prime UTR variant (2), intron variant (1).
Genome position (GRCh38, 1-based): chr11:76,926,597, G>A. VCF-style: chr11-76926597-G-A. GRCh37 (hg19) VCF-style: chr11-76637641-G-A.
Other names: c.-213G>A (NM_001300954.2); c.-89G>A (NM_001300955.2); c.104-32382G>A (NM_001300953.2); short protein forms M48I.
Identifiers: ClinVar variation 1392426 (VCV001392426.6), dbSNP rs2134812681, ClinGen allele CA381980952.

ClinVar aggregate classification (germline): Uncertain significance (1 of 4 stars; one submission).

Submission:

Labcorp Genetics (formerly Invitae), Labcorp
Classification: Uncertain significance. Last evaluated: 2023-07-17. Review status: criteria provided, single submitter. Criteria: Invitae Variant Classification Sherloc (09022015). Collection method: clinical testing. Allele origin: germline.
Comment: In summary, the available evidence is currently insufficient to determine the role of this variant in disease. Therefore, it has been classified as a Variant of Uncertain Significance. Advanced modeling of protein sequence and biophysical properties (such as structural, functional, and spatial information, amino acid conservation, physicochemical variation, residue mobility, and thermodynamic stability) performed at Invitae indicates that this missense variant is not expected to disrupt ACER3 protein function. ClinVar contains an entry for this variant (Variation ID: 1392426). This variant has not been reported in the literature in individuals affected with ACER3-related conditions. This variant is not present in population databases (gnomAD no frequency). This sequence change replaces methionine, which is neutral and non-polar, with isoleucine, which is neutral and non-polar, at codon 48 of the ACER3 protein (p.Met48Ile).